The following is an entry in ClinVar:

ClinVar aggregate classification (germline): Uncertain significance (1 of 4 stars; one submission).

Conditions:
Neurofibromatosis, type 1 (NF1). Also called: VON RECKLINGHAUSEN DISEASE; Neurofibromatosis, type I; NEUROFIBROMATOSIS, TYPE I, SOMATIC; Peripheral type neurofibromatosis. Identifiers: Orphanet 636, MedGen C0027831, MONDO:0018975, OMIM 162200. Disease mechanism: loss of function.

Submission:

Labcorp Genetics (formerly Invitae), Labcorp
Classification: Uncertain significance for Neurofibromatosis, type 1. Last evaluated: 2025-11-05. Review status: criteria provided, single submitter. Criteria: Invitae Variant Classification Sherloc (09022015). Collection method: clinical testing. Allele origin: germline.
Comment: This sequence change replaces proline, which is neutral and non-polar, with threonine, which is neutral and polar, at codon 1514 of the NF1 protein (p.Pro1514Thr). This variant is not present in population databases (gnomAD no frequency). This variant has not been reported in the literature in individuals affected with NF1-related conditions. Invitae Evidence Modeling of protein sequence and biophysical properties (such as structural, functional, and spatial information, amino acid conservation, physicochemical variation, residue mobility, and thermodynamic stability) indicates that this missense variant is expected to disrupt NF1 protein function with a positive predictive value of 95%. In summary, the available evidence is currently insufficient to determine the role of this variant in disease. Therefore, it has been classified as a Variant of Uncertain Significance.

NM_001042492.3(NF1):c.4603C>A (p.Pro1535Thr)

Gene: NF1 (neurofibromin 1; plus strand). Cytogenetic location: 17q11.2.
Variant type: single nucleotide variant.
Coding change: c.4603C>A on transcript NM_001042492.3 (MANE Select); coding-DNA position 4603, C replaced by A.
Protein change: p.Pro1535Thr; replaces proline 1535 with threonine.
Molecular consequence: missense variant.
Genome position (GRCh38, 1-based): chr17:31,261,736, C>A. VCF-style: chr17-31261736-C-A. GRCh37 (hg19) VCF-style: chr17-29588754-C-A.
Other names: c.4540C>A, p.Pro1514Thr (NM_000267.4); short protein forms P1514T, P1535T.
Identifiers: ClinVar variation 4800768 (VCV004800768.1).